The following is an entry in ClinVar:

NM_001186.4(BACH1):c.808T>G (p.Cys270Gly)

Gene: BACH1 (BTB domain and CNC homolog 1; plus strand). Cytogenetic location: 21q21.3.
Variant type: single nucleotide variant.
Coding change: c.808T>G on transcript NM_001186.4 (MANE Select); coding-DNA position 808, T replaced by G.
Protein change: p.Cys270Gly; replaces cysteine 270 with glycine.
Molecular consequence: missense variant. On other transcripts: non-coding transcript variant (1).
Genome position (GRCh38, 1-based): chr21:29,326,632, T>G. VCF-style: chr21-29326632-T-G. GRCh37 (hg19) VCF-style: chr21-30698953-T-G.
Other names: NC_000021.8:g.30698953T>G; c.808T>G, p.Cys270Gly (NM_206866.3); short protein forms C270G.
Identifiers: ClinVar variation 3040143 (VCV003040143.3), dbSNP rs61735774, ClinGen allele CA9992954.

ClinVar aggregate classification (germline): Likely benign (0 of 4 stars; one submission).

Conditions:
BACH1-related disorder. Also called: BACH1-related condition.

Allele frequency attached by ClinVar (database versions not stated): 1000 Genomes Project 0.00060; 1000 Genomes Project 30x 0.00062; ExAC 0.00123; ESP Exome Variant Server 0.00185.
gnomAD v4.1: 3,753 of 1,613,872 alleles (0.23%); highest among the groups gnomAD compares: Non-Finnish European, 0.3%; 7 homozygotes.

Submissions (3):

PreventionGenetics, part of Exact Sciences
Classification: Likely benign for BACH1-related condition. Last evaluated: 2022-02-16. Review status: no assertion criteria provided. Collection method: clinical testing. Allele origin: germline.
Comment: This variant is classified as likely benign based on ACMG/AMP sequence variant interpretation guidelines (Richards et al. 2015 PMID: 25741868, with internal and published modifications).

Dr. Peter K. Rogan Lab, Western University
No classification provided (evidence only). Condition: Thyroid cancer, nonmedullary, 1. Review status: no classification provided. Collection method: in vitro. Allele origin: not applicable. Functional consequence: retained intron. Not counted in ClinVar's aggregate classification.

Dr. Peter K. Rogan Lab, Western University
No classification provided (evidence only). Condition: Adrenocortical carcinoma, hereditary. Review status: no classification provided. Collection method: in vitro. Allele origin: not applicable. Functional consequence: retained intron. Not counted in ClinVar's aggregate classification.